The following is an entry in ClinVar:

NM_001267550.2(TTN):c.100897C>T (p.Gln33633Ter)

Genes: TTN (titin; minus strand), TTN-AS1 (TTN antisense RNA 1; plus strand). Cytogenetic location: 2q31.2.
Variant type: single nucleotide variant.
Coding change: c.100897C>T on transcript NM_001267550.2 (MANE Select); coding-DNA position 100897, C replaced by T.
Protein change: p.Gln33633Ter; replaces glutamine 33633 with a stop codon.
Molecular consequence: nonsense.
Genome position (GRCh38, 1-based): chr2:178,535,718, G>A on the plus strand (C>T on the coding strand, the complement: TTN is on the minus strand). VCF-style: chr2-178535718-G-A. GRCh37 (hg19) VCF-style: chr2-179400445-G-A.
Other names: c.95974C>T, p.Gln31992Ter (NM_001256850.1); c.73702C>T, p.Gln24568Ter (NM_003319.4); c.93193C>T, p.Gln31065Ter (NM_133378.4); c.74077C>T, p.Gln24693Ter (NM_133432.3); c.74278C>T, p.Gln24760Ter (NM_133437.4); short protein forms Q31992*, Q33633*, Q24568*, Q24693*, Q24760*, Q31065*.
Identifiers: ClinVar variation 489006 (VCV000489006.2), dbSNP rs1553500574, ClinGen allele CA349422531.

ClinVar aggregate classification (germline): Likely pathogenic (1 of 4 stars; one submission).

Submission:

GeneDx
Classification: Likely pathogenic. Last evaluated: 2017-06-12. Review status: criteria provided, single submitter. Criteria: GeneDx Variant Classification (06012015). Collection method: clinical testing. Allele origin: germline. Affected: yes.
Comment: Although the Q31992X likely pathogenic variant in the TTN gene has not been previously reported as pathogenic or benign to our knowledge, it is not observed in large population cohorts (Lek et al., 2016; 1000 Genomes Consortium et al., 2015; Exome Variant Server). In addition, Q31992X is predicted to cause loss of normal protein function either by protein truncation or nonsense-mediated mRNA decay. However, Q31992X is not located in the A-band region of titin, where the majority of truncating pathogenic variants associated with DCM have been reported (Herman et al., 2012). Truncating variants in the M-band region of titin, where this variant occurs, are typically associated with autosomal recessive myopathies. Furthermore, other truncating TTN variants have been reported in approximately 3% of control alleles (Herman et al., 2012).Therefore, while the Q31992X variant is likely pathogenic, it is not located in the A-band of the titin protein, which is associated with DCM, and may represent carrier status for an autosomal recessive myopathy.